The following is an entry in ClinVar:

ClinVar aggregate classification (germline): Pathogenic/Likely pathogenic. Review status: criteria provided, multiple submitters, no conflicts (2 of 4 stars). 3 submissions from 3 submitters: Pathogenic (1); Likely pathogenic (1). 1 of the submissions does not count toward it. Last evaluated 2023-08-11.

Conditions:
Renal carnitine transport defect (CDSP). Also called: Systemic primary carnitine deficiency; Primary carnitine deficiency; Systemic primary carnitine deficiency disease; CARNITINE DEFICIENCY, SYSTEMIC, DUE TO DEFECT IN RENAL REABSORPTION OF CARNITINE; CARNITINE TRANSPORTER, PLASMA-MEMBRANE, DEFICIENCY OF; CARNITINE UPTAKE DEFECT. Identifiers: Orphanet 158, MedGen C0342788, MONDO:0008919, OMIM 212140.

Submissions (3):

Women's Health and Genetics/Laboratory Corporation of America, LabCorp
Classification: Likely pathogenic for Renal carnitine transport defect. Last evaluated: 2023-08-11. Review status: criteria provided, single submitter. Criteria: LabCorp Variant Classification Summary - May 2015. Collection method: clinical testing. Allele origin: germline.
Comment: Variant summary: SLC22A5 c.700G>C (p.Gly234Arg) results in a non-conservative amino acid change located in the Major facilitator superfamily domain (IPR020846) of the encoded protein sequence. Five of five in-silico tools predict a damaging effect of the variant on protein function. The variant allele was found at a frequency of 4e-06 in 251488 control chromosomes (gnomAD). c.700G>C has been reported in the literature as a biallelic genotype in individuals affected with Systemic Primary Carnitine Deficiency (e.g. Lee_2010, Han_2014). These data indicate that the variant may be associated with disease. When carnitine uptake activity was assayed using transiently transfected HEK293T cells, the variant was shown to significantly reduce transport activity (0.25%) compared to wild-type (Koleske_2022). The following publications have been ascertained in the context of this evaluation (PMID: 25132046, 36343260, 20074989). One ClinVar submitter has assessed the variant since 2014, and classified the variant as uncertain significance. Based on the evidence outlined above, the variant was classified as likely pathogenic.

Baylor Genetics
Classification: Pathogenic for Renal carnitine transport defect. Last evaluated: 2023-02-03. Review status: criteria provided, single submitter. Criteria: ACMG Guidelines, 2015. Collection method: clinical testing. Allele origin: unknown.

Giacomini Lab, University of California, San Francisco
Classification: Uncertain significance for Renal carnitine transport defect. Last evaluated: 2022-10-03. Review status: flagged submission. Criteria: ACMG Guidelines, 2015. Collection method: research, in vitro. Allele origin: germline, not applicable. Not counted in ClinVar's aggregate classification.
ClinVar note: Reason: Claim with insufficient supporting evidence

Literature cited by the submitters: PubMed 25132046 (cited by Women's Health and Genetics/Laboratory Corporation of America, LabCorp); PubMed 20074989 (cited by Women's Health and Genetics/Laboratory Corporation of America, LabCorp); PubMed 36343260 (cited by Women's Health and Genetics/Laboratory Corporation of America, LabCorp).

NM_003060.4(SLC22A5):c.700G>C (p.Gly234Arg)

Gene: SLC22A5 (solute carrier family 22 member 5; plus strand). Cytogenetic location: 5q31.1.
Variant type: single nucleotide variant.
Coding change: c.700G>C on transcript NM_003060.4 (MANE Select); coding-DNA position 700, G replaced by C.
Protein change: p.Gly234Arg; replaces glycine 234 with arginine.
Molecular consequence: missense variant.
Genome position (GRCh38, 1-based): chr5:132,385,375, G>C. VCF-style: chr5-132385375-G-C. GRCh37 (hg19) VCF-style: chr5-131721067-G-C.
Other names: p.Gly234Arg; c.700G>C (NM_003060.3); c.772G>C, p.Gly258Arg (NM_001308122.2); short protein forms G234R, G258R.
Identifiers: ClinVar variation 1707678 (VCV001707678.4), dbSNP rs1457258524, ClinGen allele CA360805028.